The following is an entry in ClinVar:

NM_002691.4(POLD1):c.1654C>T (p.Gln552Ter)

Gene: POLD1 (DNA polymerase delta 1, catalytic subunit; plus strand). Cytogenetic location: 19q13.33.
Variant type: single nucleotide variant.
Coding change: c.1654C>T on transcript NM_002691.4 (MANE Select); coding-DNA position 1654, C replaced by T.
Protein change: p.Gln552Ter; replaces glutamine 552 with a stop codon.
Molecular consequence: nonsense. On other transcripts: non-coding transcript variant (1).
Genome position (GRCh38, 1-based): chr19:50,407,142, C>T. VCF-style: chr19-50407142-C-T. GRCh37 (hg19) VCF-style: chr19-50910399-C-T.
Other names: c.1654C>T, p.Gln552Ter (NM_001256849.1, NM_001308632.1, NM_001438210.1 and 3 more transcripts); short protein forms Q552*.
Identifiers: ClinVar variation 4141022 (VCV004141022.1).

ClinVar aggregate classification (germline): Uncertain significance (1 of 4 stars; one submission).

Conditions:
Hereditary cancer-predisposing syndrome. Also called: Hereditary neoplastic syndrome; Neoplastic Syndromes, Hereditary; Tumor predisposition; Hereditary Cancer Syndrome. Identifiers: Orphanet 140162, MedGen C0027672, MeSH D009386, MONDO:0015356.

Submission:

Ambry Genetics
Classification: Uncertain significance for Hereditary cancer-predisposing syndrome. Last evaluated: 2025-08-13. Review status: criteria provided, single submitter. Criteria: Ambry Variant Classification Scheme 2023. Collection method: clinical testing. Allele origin: germline.
Comment: The p.Q552* variant (also known as c.1654C>T), located in coding exon 12 of the POLD1 gene, results from a C to T substitution at nucleotide position 1654. This changes the amino acid from a glutamine to a stop codon within coding exon 12. This alteration is expected to result in loss of function by premature protein truncation or nonsense-mediated mRNA decay. However, loss of function of POLD1 has not been established as a mechanism of disease. Based on the available evidence, the clinical significance of this variant remains unclear.